The following is an entry in ClinVar:

NM_004371.4(COPA):c.8C>T (p.Thr3Ile)

Gene: COPA (coat protein complex I subunit alpha; minus strand). Cytogenetic location: 1q23.2.
Variant type: single nucleotide variant.
Coding change: c.8C>T on transcript NM_004371.4 (MANE Select); coding-DNA position 8, C replaced by T.
Protein change: p.Thr3Ile; replaces threonine 3 with isoleucine.
Molecular consequence: missense variant.
Genome position (GRCh38, 1-based): chr1:160,343,163, G>A on the plus strand (C>T on the coding strand, the complement: COPA is on the minus strand). VCF-style: chr1-160343163-G-A. GRCh37 (hg19) VCF-style: chr1-160312953-G-A.
Other names: c.8C>T, p.Thr3Ile (NM_001098398.2); short protein forms T3I.
Identifiers: ClinVar variation 3659799 (VCV003659799.2).

ClinVar aggregate classification (germline): Uncertain significance (1 of 4 stars; one submission).

Conditions:
Autoimmune interstitial lung disease-arthritis syndrome. Also called: Autoinflammation and autoimmunity, systemic, with immune dysregulation. Identifiers: Orphanet 444092, MedGen C5975714, MONDO:0014629.

Submission:

Labcorp Genetics (formerly Invitae), Labcorp
Classification: Uncertain significance for Autoimmune interstitial lung disease-arthritis syndrome. Last evaluated: 2024-10-08. Review status: criteria provided, single submitter. Criteria: Invitae Variant Classification Sherloc (09022015). Collection method: clinical testing. Allele origin: germline.
Comment: This sequence change replaces threonine, which is neutral and polar, with isoleucine, which is neutral and non-polar, at codon 3 of the COPA protein (p.Thr3Ile). This variant is not present in population databases (gnomAD no frequency). This variant has not been reported in the literature in individuals affected with COPA-related conditions. Invitae Evidence Modeling of protein sequence and biophysical properties (such as structural, functional, and spatial information, amino acid conservation, physicochemical variation, residue mobility, and thermodynamic stability) indicates that this missense variant is not expected to disrupt COPA protein function with a negative predictive value of 80%. In summary, the available evidence is currently insufficient to determine the role of this variant in disease. Therefore, it has been classified as a Variant of Uncertain Significance.